The following is an entry in ClinVar:

NG_007406.1:g.(5249_8228)_(17155_19960)del

Gene: PALB2 (partner and localizer of BRCA2; minus strand). Cytogenetic location: 16p12.2.
Variant type: Deletion.
Other names: EX2-6DEL; c.49-?_2586+?del (NM_024675.3).
Identifiers: ClinVar variation 830085 (VCV000830085.2).

ClinVar aggregate classification (germline): Pathogenic. Review status: no assertion criteria provided (0 of 4 stars). 2 submissions from 2 submitters: Pathogenic (2). Last evaluated 2019-05-13.

Conditions:
Fanconi anemia complementation group N. Also called: PALB2-Related Fanconi Anemia. Identifiers: Orphanet 84, MedGen C1835817, MONDO:0012565, OMIM 610832. Disease mechanism: loss of function.

Submissions (2):

Leiden Open Variation Database
Classification: Pathogenic for Fanconi anemia complementation group N. Last evaluated: 2019-05-13. Review status: no assertion criteria provided. Collection method: curation. Allele origin: germline. Affected: yes.
Comment: Curators: Marc Tischkowitz, Arleen D. Auerbach. Submitters to LOVD: Arleen D. Auerbach, LOVD-team, but with Curator vacancy, Marc Tischkowitz.

OMIM
Classification: Pathogenic for FANCONI ANEMIA, COMPLEMENTATION GROUP N. Last evaluated: 2007-02-01. Review status: no assertion criteria provided. Collection method: literature only. Allele origin: germline.

Literature cited by the submitters: PubMed 17200672 (cited by Leiden Open Variation Database and OMIM).